The following is an entry in ClinVar:

NM_000944.5(PPP3CA):c.783-7del

Gene: PPP3CA (protein phosphatase 3 catalytic subunit alpha; minus strand). Cytogenetic location: 4q24.
Variant type: Deletion.
Coding change: c.783-7del on transcript NM_000944.5 (MANE Select); 7 bases into the intron before coding-DNA position 783, one base deleted (C; older notation c.783-7delC).
Molecular consequence: intron variant.
Genome position (GRCh38, 1-based): chr4:101,083,270, G deleted on the plus strand (C on the coding strand, the reverse complement: PPP3CA is on the minus strand). VCF-style (leftmost placement, unchanged base first): chr4-101083269-AG-A. GRCh37 (hg19) VCF-style: chr4-102004426-AG-A.
Other names: c.783-7del (NM_001130692.2, NM_001130691.2); c.783-7delC (NM_000944.4).
Identifiers: ClinVar variation 1540355 (VCV001540355.11), dbSNP rs746185638, ClinGen allele CA3024412.

ClinVar aggregate classification (germline): Likely benign. Review status: criteria provided, multiple submitters, no conflicts (2 of 4 stars). 3 submissions from 3 submitters: Likely benign (2). 1 of the submissions does not count toward it. Last evaluated 2024-12-12.

Conditions:
PPP3CA-related disorder. Also called: PPP3CA-related condition; PPP3CA-related disorders.
Developmental and epileptic encephalopathy 91. Also called: EPILEPTIC ENCEPHALOPATHY, INFANTILE OR EARLY CHILDHOOD, 1. Identifiers: MedGen C4540199, MONDO:0020630, OMIM 617711.
Arthrogryposis, cleft palate, craniosynostosis, and impaired intellectual development. Identifiers: Orphanet 565858, MedGen C4748872, MONDO:0032642, OMIM 618265.

Allele frequency attached by ClinVar (database versions not stated): gnomAD 0.00001; TOPMed 0.00001; ExAC 0.00002; gnomAD exomes 0.00002.

Submissions (3):

Labcorp Genetics (formerly Invitae), Labcorp
Classification: Likely benign. Last evaluated: 2024-12-12. Review status: criteria provided, single submitter. Criteria: Invitae Variant Classification Sherloc (09022015). Collection method: clinical testing. Allele origin: germline.

Fulgent Genetics
Classification: Likely benign for Developmental and epileptic encephalopathy 91; Arthrogryposis, cleft palate, craniosynostosis, and impaired intellectual development. Last evaluated: 2022-04-19. Review status: criteria provided, single submitter. Criteria: ACMG Guidelines, 2015. Collection method: clinical testing. Allele origin: unknown.

PreventionGenetics, part of Exact Sciences
Classification: Likely benign for PPP3CA-related condition. Last evaluated: 2021-03-09. Review status: no assertion criteria provided. Collection method: clinical testing. Allele origin: germline. Not counted in ClinVar's aggregate classification.
Comment: This variant is classified as likely benign based on ACMG/AMP sequence variant interpretation guidelines (Richards et al. 2015 PMID: 25741868, with internal and published modifications).